The following is an entry in ClinVar:

NM_002350.4(LYN):c.227G>T (p.Gly76Val)

Gene: LYN (LYN proto-oncogene, Src family tyrosine kinase; plus strand). Cytogenetic location: 8q12.1.
Variant type: single nucleotide variant.
Coding change: c.227G>T on transcript NM_002350.4 (MANE Select); coding-DNA position 227, G replaced by T.
Protein change: p.Gly76Val; replaces glycine 76 with valine.
Molecular consequence: missense variant.
Genome position (GRCh38, 1-based): chr8:55,947,666, G>T. VCF-style: chr8-55947666-G-T. GRCh37 (hg19) VCF-style: chr8-56860225-G-T.
Other names: c.164G>T, p.Gly55Val (NM_001111097.3); short protein forms G76V, G55V.
Identifiers: ClinVar variation 4723367 (VCV004723367.1).

ClinVar aggregate classification (germline): Uncertain significance (1 of 4 stars; one submission).

gnomAD v4.1: 1 of 1,613,972 alleles (0.000062%); highest among the groups gnomAD compares: South Asian, 0.0011%; no homozygotes.

Submission:

Labcorp Genetics (formerly Invitae), Labcorp
Classification: Uncertain significance. Last evaluated: 2025-08-29. Review status: criteria provided, single submitter. Criteria: Invitae Variant Classification Sherloc (09022015). Collection method: clinical testing. Allele origin: germline.
Comment: This sequence change replaces glycine, which is neutral and non-polar, with valine, which is neutral and non-polar, at codon 76 of the LYN protein (p.Gly76Val). This variant is not present in population databases (gnomAD no frequency). This variant has not been reported in the literature in individuals affected with LYN-related conditions. An algorithm developed to predict the effect of missense changes on protein structure and function (PolyPhen-2) suggests that this variant is likely to be disruptive. In summary, the available evidence is currently insufficient to determine the role of this variant in disease. Therefore, it has been classified as a Variant of Uncertain Significance.